The following is an entry in ClinVar:

ClinVar aggregate classification (germline): Uncertain significance (1 of 4 stars; one submission).

Conditions:
Nemaline myopathy 2 (NEM2). Also called: Nemaline myopathy 2, autosomal recessive. Identifiers: MedGen C1850569, MONDO:0009725, OMIM 256030.

gnomAD v4.1: 5 of 1,613,836 alleles (0.00031%); highest among the groups gnomAD compares: African/African-American, 0.0013%; no homozygotes.

Submission:

Labcorp Genetics (formerly Invitae), Labcorp
Classification: Uncertain significance for Nemaline myopathy 2. Last evaluated: 2025-12-19. Review status: criteria provided, single submitter. Criteria: Invitae Variant Classification Sherloc (09022015). Collection method: clinical testing. Allele origin: germline.
Comment: This sequence change replaces alanine, which is neutral and non-polar, with glycine, which is neutral and non-polar, at codon 1305 of the NEB protein (p.Ala1305Gly). This variant is not present in population databases (gnomAD no frequency). This variant has not been reported in the literature in individuals affected with NEB-related conditions. Experimental studies and prediction algorithms are not available or were not evaluated, and the functional significance of this variant is currently unknown. In summary, the available evidence is currently insufficient to determine the role of this variant in disease. Therefore, it has been classified as a Variant of Uncertain Significance.

NM_001164508.2(NEB):c.3914C>G (p.Ala1305Gly)

Gene: NEB (nebulin; minus strand). Cytogenetic location: 2q23.3.
Variant type: single nucleotide variant.
Coding change: c.3914C>G on transcript NM_001164508.2 (MANE Select); coding-DNA position 3914, C replaced by G.
Protein change: p.Ala1305Gly; replaces alanine 1305 with glycine.
Molecular consequence: missense variant.
Genome position (GRCh38, 1-based): chr2:151,674,550, G>C on the plus strand (C>G on the coding strand, the complement: NEB is on the minus strand). VCF-style: chr2-151674550-G-C. GRCh37 (hg19) VCF-style: chr2-152531064-G-C.
Other names: c.3914C>G, p.Ala1305Gly (NM_001164507.2, NM_001271208.2, NM_004543.5); short protein forms A1305G.
Identifiers: ClinVar variation 4740175 (VCV004740175.1).
Genomic context (GRCh38, chr2:151,674,550, plus strand): 5'-TTTCTCGATGCCTTGGCTGCAGTGATGGGAATAGCATCGCCCAGCACATTGTTGCCCTTG[G>C]CTATTAAGTCATACCAATCCCGTTTATAACAGACCTGGACAGAAAAGCAAACAGAATGTC-3'
Protein context (NP_001157980.2, residues 1295-1315): CYKRDWYDLI[Ala1305Gly]KGNNVLGDAI